The following is an entry in ClinVar:

ClinVar aggregate classification (germline): Uncertain significance. Review status: criteria provided, multiple submitters, no conflicts (2 of 4 stars). 5 submissions from 5 submitters: Uncertain significance (5). Last evaluated 2024-10-30.

Conditions:
Inborn genetic diseases. Identifiers: MedGen C0950123, MeSH D030342.
Developmental and epileptic encephalopathy, 1 (DEE1). Also called: Epileptic encephalopathy, early infantile, 1; Tonic spasms with clustering, arrest of psychomotor development and hypsarrhythmia on EEG; X-Linked Infantile Spasm Syndrome; X-linked infantile spasms; West's syndrome; OHTAHARA SYNDROME, X-LINKED. Identifiers: MedGen C3463992, MONDO:0010632, OMIM 308350. Disease mechanism: loss of function.
Autosomal dominant nonsyndromic hearing loss 65. Also called: TBC1D24-Related Autosomal Dominant Nonsyndromic Hearing Loss (DFNA); Deafness, autosomal dominant 65. Identifiers: Orphanet 90635, MedGen C3892048, MONDO:0014470, OMIM 616044.

Allele frequency attached by ClinVar (database versions not stated): ExAC 0.00001; gnomAD exomes 0.00002.

Submissions (5):

Labcorp Genetics (formerly Invitae), Labcorp
Classification: Uncertain significance for Developmental and epileptic encephalopathy, 1; Autosomal dominant nonsyndromic hearing loss 65. Last evaluated: 2024-10-30. Review status: criteria provided, single submitter. Criteria: Invitae Variant Classification Sherloc (09022015). Collection method: clinical testing. Allele origin: germline.
Comment: This sequence change replaces valine, which is neutral and non-polar, with methionine, which is neutral and non-polar, at codon 137 of the TBC1D24 protein (p.Val137Met). This variant is present in population databases (rs200263150, gnomAD 0.02%). This variant has not been reported in the literature in individuals affected with TBC1D24-related conditions. ClinVar contains an entry for this variant (Variation ID: 852198). Invitae Evidence Modeling of protein sequence and biophysical properties (such as structural, functional, and spatial information, amino acid conservation, physicochemical variation, residue mobility, and thermodynamic stability) indicates that this missense variant is not expected to disrupt TBC1D24 protein function with a negative predictive value of 80%. In summary, the available evidence is currently insufficient to determine the role of this variant in disease. Therefore, it has been classified as a Variant of Uncertain Significance.

GeneDx
Classification: Uncertain significance. Last evaluated: 2024-10-23. Review status: criteria provided, single submitter. Criteria: GeneDx Variant Classification Process June 2021. Collection method: clinical testing. Allele origin: germline. Affected: yes.
Comment: In silico analysis indicates that this missense variant does not alter protein structure/function; Has not been previously published as pathogenic or benign to our knowledge

Blueprint Genetics
Classification: Uncertain significance. Last evaluated: 2023-12-22. Review status: criteria provided, single submitter. Criteria: ACMG Guidelines, 2015. Collection method: clinical testing. Allele origin: germline.

Ambry Genetics
Classification: Uncertain significance for Inborn genetic diseases. Last evaluated: 2023-06-06. Review status: criteria provided, single submitter. Criteria: Ambry Variant Classification Scheme 2023. Collection method: clinical testing. Allele origin: germline.

Revvity Omics, Revvity
Classification: Uncertain significance. Last evaluated: 2021-11-07. Review status: criteria provided, single submitter. Criteria: ACMG Guidelines, 2015. Collection method: clinical testing. Allele origin: germline.

NM_001199107.2(TBC1D24):c.409G>A (p.Val137Met)

Gene: TBC1D24 (TBC1 domain family member 24; plus strand). Cytogenetic location: 16p13.3.
Variant type: single nucleotide variant.
Coding change: c.409G>A on transcript NM_001199107.2 (MANE Select); coding-DNA position 409, G replaced by A.
Protein change: p.Val137Met; replaces valine 137 with methionine.
Molecular consequence: missense variant.
Genome position (GRCh38, 1-based): chr16:2,496,557, G>A. VCF-style: chr16-2496557-G-A. GRCh37 (hg19) VCF-style: chr16-2546558-G-A.
Other names: c.409G>A, p.Val137Met (NM_020705.3); short protein forms V137M.
Identifiers: ClinVar variation 852198 (VCV000852198.16), dbSNP rs200263150, ClinGen allele CA7843995.